The following is an entry in ClinVar:

NM_057175.5(NAA15):c.880A>G (p.Arg294Gly)

Gene: NAA15 (N-alpha-acetyltransferase 15, NatA auxiliary subunit; plus strand). Cytogenetic location: 4q31.1.
Variant type: single nucleotide variant.
Coding change: c.880A>G on transcript NM_057175.5 (MANE Select); coding-DNA position 880, A replaced by G.
Protein change: p.Arg294Gly; replaces arginine 294 with glycine.
Molecular consequence: missense variant.
Genome position (GRCh38, 1-based): chr4:139,351,259, A>G. VCF-style: chr4-139351259-A-G. GRCh37 (hg19) VCF-style: chr4-140272413-A-G.
Other names: c.880A>G, p.Arg294Gly (NM_001410842.1, NM_025085.2); short protein forms R294G.
Identifiers: ClinVar variation 2272208 (VCV002272208.4), dbSNP rs1483000309, ClinGen allele CA358261324.

ClinVar aggregate classification (germline): Uncertain significance. Review status: criteria provided, multiple submitters, no conflicts (2 of 4 stars). 2 submissions from 2 submitters: Uncertain significance (2). Last evaluated 2025-10-23.

Conditions:
Inborn genetic diseases. Identifiers: MedGen C0950123, MeSH D030342.

Allele frequency attached by ClinVar (database versions not stated): gnomAD 0.00001; gnomAD exomes 0.00001; TOPMed 0.00001.
gnomAD v4.1: 9 of 1,609,960 alleles (0.00056%); highest among the groups gnomAD compares: Non-Finnish European, 0.00076%; no homozygotes.

Submissions (2):

GeneDx
Classification: Uncertain significance. Last evaluated: 2025-10-23. Review status: criteria provided, single submitter. Criteria: GeneDx Variant Classification Process June 2021. Collection method: clinical testing. Allele origin: germline.
Comment: Not observed at significant frequency in large population cohorts (gnomAD); In silico analysis supports that this missense variant has a deleterious effect on protein structure/function; Has not been previously published as pathogenic or benign to our knowledge

Ambry Genetics
Classification: Uncertain significance for Inborn genetic diseases. Last evaluated: 2022-01-19. Review status: criteria provided, single submitter. Criteria: Ambry Variant Classification Scheme 2023. Collection method: clinical testing. Allele origin: germline.